The following is an entry in ClinVar:

ClinVar aggregate classification (germline): Uncertain significance. Review status: criteria provided, multiple submitters, no conflicts (2 of 4 stars). 2 submissions from 2 submitters: Uncertain significance (2). Last evaluated 2025-02-10.

Conditions:
Combined immunodeficiency due to OX40 deficiency. Also called: OX40 DEFICIENCY; Immunodeficiency 16. Identifiers: Orphanet 431149, MedGen C3810053, MONDO:0014268, OMIM 615593.

Submissions (2):

Labcorp Genetics (formerly Invitae), Labcorp
Classification: Uncertain significance for Combined immunodeficiency due to OX40 deficiency. Last evaluated: 2025-02-10. Review status: criteria provided, single submitter. Criteria: Invitae Variant Classification Sherloc (09022015). Collection method: clinical testing. Allele origin: germline.
Comment: This sequence change replaces arginine, which is basic and polar, with tryptophan, which is neutral and slightly polar, at codon 7 of the TNFRSF4 protein (p.Arg7Trp). The frequency data for this variant in the population databases is considered unreliable, as metrics indicate poor data quality at this position in the gnomAD database. This variant has not been reported in the literature in individuals affected with TNFRSF4-related conditions. ClinVar contains an entry for this variant (Variation ID: 1445673). An algorithm developed to predict the effect of missense changes on protein structure and function outputs the following: PolyPhen-2: "Not Available". The tryptophan amino acid residue is found in multiple mammalian species, which suggests that this missense change does not adversely affect protein function. In summary, the available evidence is currently insufficient to determine the role of this variant in disease. Therefore, it has been classified as a Variant of Uncertain Significance.

Ambry Genetics
Classification: Uncertain significance. Last evaluated: 2021-06-18. Review status: criteria provided, single submitter. Criteria: Ambry Variant Classification Scheme 2023. Collection method: clinical testing. Allele origin: germline.

NM_003327.4(TNFRSF4):c.19C>T (p.Arg7Trp)

Gene: TNFRSF4 (TNF receptor superfamily member 4; minus strand). Cytogenetic location: 1p36.33.
Variant type: single nucleotide variant.
Coding change: c.19C>T on transcript NM_003327.4 (MANE Select); coding-DNA position 19, C replaced by T.
Protein change: p.Arg7Trp; replaces arginine 7 with tryptophan.
Molecular consequence: missense variant.
Genome position (GRCh38, 1-based): chr1:1,214,109, G>A on the plus strand (C>T on the coding strand, the complement: TNFRSF4 is on the minus strand). VCF-style: chr1-1214109-G-A. GRCh37 (hg19) VCF-style: chr1-1149489-G-A.
Other names: c.19C>T (NM_003327.3); short protein forms R7W.
Identifiers: ClinVar variation 1445673 (VCV001445673.7), dbSNP rs572497059, ClinGen allele CA512711.